The following is an entry in ClinVar:

NM_001048174.2(MUTYH):c.1392_1392+6del

Gene: MUTYH (mutY DNA glycosylase; minus strand). Cytogenetic location: 1p34.1.
Variant type: Deletion.
Coding change: c.1392_1392+6del on transcript NM_001048174.2 (MANE Select); coding-DNA position 1392 through 6 bases into the intron after coding-DNA position 1392, 7 bases deleted (GGCACTA; older notation c.1392_1392+6delGGCACTA).
Molecular consequence: splice donor variant.
Genome position (GRCh38, 1-based): chr1:45,331,176-45,331,182, TAGTGCC deleted on the plus strand (GGCACTA on the coding strand, the reverse complement: MUTYH is on the minus strand); deleting any 7 consecutive bases within chr1:45,331,176-45,331,183 gives the same sequence; the c. name uses the placement nearest the transcript's 3' end. VCF-style (leftmost placement, unchanged base first): chr1-45331175-GTAGTGCC-G. GRCh37 (hg19) VCF-style: chr1-45796847-GTAGTGCC-G.
Other names: c.1047_1047+6del (NM_001350651.2, NM_001350650.2); c.1116_1116+6del (NM_001293192.2, NM_001293196.2); c.1392_1392+6del (NM_001048171.2, NM_001048173.2, NM_001293195.2); c.1437_1437+6del (NM_001293190.2); c.1467_1467+6del (NM_012222.3); c.1476_1476+6del (NM_001128425.2); c.1395_1395+6del (NM_001048172.2); c.1425_1425+6del (NM_001293191.2); and 1 more.
Identifiers: ClinVar variation 182684 (VCV000182684.19), dbSNP rs864621967, ClinGen allele CA346797.

ClinVar aggregate classification (germline): Likely pathogenic. Review status: criteria provided, multiple submitters, no conflicts (2 of 4 stars). 5 submissions from 5 submitters: Likely pathogenic (5). Last evaluated 2025-11-10.

Conditions:
Hereditary cancer-predisposing syndrome. Also called: Neoplastic Syndromes, Hereditary; Hereditary Cancer Syndrome; Tumor predisposition; Hereditary neoplastic syndrome. Identifiers: Orphanet 140162, MedGen C0027672, MeSH D009386, MONDO:0015356.
Familial adenomatous polyposis 2. Also called: MUTYH-associated polyposis; MUTYH Polyposis; FAP type 2; Adenomas, multiple colorectal; COLORECTAL ADENOMATOUS POLYPOSIS, AUTOSOMAL RECESSIVE; ADENOMAS, MULTIPLE COLORECTAL, AUTOSOMAL RECESSIVE. Identifiers: Orphanet 220460, Orphanet 247798, MedGen C3272841, MONDO:0012041, OMIM 608456.

Submissions (5):

Labcorp Genetics (formerly Invitae), Labcorp
Classification: Likely pathogenic for Familial adenomatous polyposis 2. Last evaluated: 2025-11-10. Review status: criteria provided, single submitter. Criteria: Invitae Variant Classification Sherloc (09022015). Collection method: clinical testing. Allele origin: germline.
Comment: This variant results in the deletion of intron 14 of the MUTYH gene. It is expected to disrupt RNA splicing. Variants that disrupt the donor or acceptor splice site typically lead to a loss of protein function (PMID: 16199547), and loss-of-function variants in MUTYH are known to be pathogenic (PMID: 18534194, 20663686). This variant is not present in population databases (gnomAD no frequency). This variant has not been reported in the literature in individuals affected with MUTYH-related conditions. ClinVar contains an entry for this variant (Variation ID: 182684). Studies have shown that this variant is associated with inconclusive levels of altered splicing (internal data). In summary, the currently available evidence indicates that the variant is pathogenic, but additional data are needed to prove that conclusively. Therefore, this variant has been classified as Likely Pathogenic.

Ambry Genetics
Classification: Likely pathogenic for Hereditary cancer-predisposing syndrome. Last evaluated: 2025-05-19. Review status: criteria provided, single submitter. Criteria: Ambry Variant Classification Scheme 2023. Collection method: clinical testing. Allele origin: germline.
Comment: The c.1476_1476+6delGGCACTA variant, located in coding exon and intron 14 of the MUTYH gene, results from a deletion of the last nucleotide of exon 14 and six nucleotides of the adjacent intron, which includes the canonical splice donor site. Alterations that disrupt the canonical splice site are expected to result in aberrant splicing. The resulting transcript is predicted to be in-frame and is not expected to trigger nonsense-mediated mRNAdecay. The exact functional effect of the altered amino acid sequence is unknown; however, the impacted region is critical for protein function (Ambry internal data). RNA studies have demonstrated that this alteration results in abnormal splicing in the set of samples tested (Ambry internal data). This variant is considered to be rare based on population cohorts in the Genome Aggregation Database (gnomAD). The canonical splice donor site is highly conserved in available vertebrate species. In silico splice site analysis predicts that this alteration will weaken the native splice donor site. Based on the majority of available evidence to date, this variant is likely to be pathogenic.

Baylor Genetics
Classification: Likely pathogenic for Familial adenomatous polyposis 2. Last evaluated: 2023-04-14. Review status: criteria provided, single submitter. Criteria: ACMG Guidelines, 2015. Collection method: clinical testing. Allele origin: unknown.

Color Diagnostics, LLC DBA Color Health
Classification: Likely pathogenic for Hereditary cancer-predisposing syndrome. Last evaluated: 2019-06-30. Review status: criteria provided, single submitter. Criteria: ACMG Guidelines, 2015. Collection method: clinical testing. Allele origin: germline.
Comment: This variant deletes 7 nucleotides in the exon 14/intron 14 splice junction of the MUTYH gene, removing the splice donor site. Aberrant splicing is expected to result in a premature translation stop signal and an absent or non-functional protein product, but this has not been tested experimentally. This variant has not been identified in the general population by the Genome Aggregation Database (gnomAD). Loss of MUTYH function is a known mechanism of disease. Based on the available evidence, this variant is classified as Likely Pathogenic.

GeneDx
Classification: Likely pathogenic. Last evaluated: 2018-09-18. Review status: criteria provided, single submitter. Criteria: GeneDx Variant Classification (06012015). Collection method: clinical testing. Allele origin: germline. Affected: yes.
Comment: This deletion of 7 nucleotides in MUTYH is denoted c.1476_1476+6delGGCACTA at the cDNA level. The normal sequence, with the bases that are deleted in brackets, is GAAAAA[delGgcacta]cctt, where the capital letters are exonic and lowercase are intronic. The deletion spans the intron/exon boundary, removing the canonical splice donor site. It is predicted to cause abnormal gene splicing, leading to either an abnormal message that is subject to nonsense-mediated mRNA decay or to an abnormal protein product. Although this variant has not, to our knowledge, been reported in the literature, it is considered likely pathogenic.

Literature cited by the submitters: PubMed 16199547 (cited by Labcorp Genetics (formerly Invitae), Labcorp); PubMed 18534194 (cited by Labcorp Genetics (formerly Invitae), Labcorp); PubMed 20663686 (cited by Labcorp Genetics (formerly Invitae), Labcorp).